The following is an entry in ClinVar:

NM_001042432.2(CLN3):c.753del (p.Gln251fs)

Gene: CLN3 (CLN3 lysosomal/endosomal transmembrane protein, battenin; minus strand). Cytogenetic location: 16p12.1.
Variant type: Deletion.
Coding change: c.753del on transcript NM_001042432.2 (MANE Select); coding-DNA position 753, one base deleted (G; older notation c.753delG).
Protein change: p.Gln251fs; shifts the reading frame from glutamine 251.
Molecular consequence: frameshift variant.
Genome position (GRCh38, 1-based): chr16:28,484,043, C deleted on the plus strand (G on the coding strand, the reverse complement: CLN3 is on the minus strand). VCF-style (leftmost placement, unchanged base first): chr16-28484042-GC-G. GRCh37 (hg19) VCF-style: chr16-28495363-GC-G.
Other names: c.753delG (NM_001042432.2); c.753del, p.Gln251fs (NM_000086.2); c.681del, p.Gln227fs (NM_001286104.2); c.453del, p.Gln151fs (NM_001286105.2); c.519del, p.Gln173fs (NM_001286109.2); c.591del, p.Gln197fs (NM_001286110.2); short protein forms Q151fs, Q173fs, Q197fs, Q227fs, Q251fs.
Identifiers: ClinVar variation 4688203 (VCV004688203.1).
Genomic context (GRCh38, chr16:28,484,042, plus strand): 5'-TCTCTGAGGGTCTGTGTCTCCTACCTGGCTTCGACTCCGGGGCCTCGGTTCTTATGAGGG[GC>G]TGCCGGGCTGCGCTCTCTGCTTCTTCTTCCCCTCCAGGGTCCTGGGCCTCAGGAGATGTG-3'

ClinVar aggregate classification (germline): Pathogenic (1 of 4 stars; one submission).

Conditions:
Neuronal ceroid lipofuscinosis. Also called: Neuronal Ceroid Lipofuscinoses. Identifiers: Orphanet 216, Orphanet 79263, MedGen C0027877, MONDO:0016295. Disease mechanism: loss of function.

Submission:

Women's Health and Genetics/Laboratory Corporation of America, LabCorp
Classification: Pathogenic for Neuronal ceroid lipofuscinosis. Last evaluated: 2025-12-19. Review status: criteria provided, single submitter. Criteria: LabCorp Variant Classification Summary - May 2015. Collection method: clinical testing. Allele origin: germline.
Comment: Variant summary: CLN3 c.753delG (p.Gln251HisfsX4) results in a premature termination codon, predicted to cause a truncation of the encoded protein or absence of the protein due to nonsense mediated decay, which are commonly known mechanisms for disease. The variant was absent in 245938 control chromosomes. To our knowledge, no occurrence of c.753delG in individuals affected with CLN3-related conditions and no experimental evidence demonstrating its impact on protein function have been reported. No submitters have cited clinical-significance assessments for this variant to ClinVar. Based on the evidence outlined above, the variant was classified as pathogenic.